The following is an entry in ClinVar:

ClinVar aggregate classification (germline): Uncertain significance (1 of 4 stars; one submission).

Allele frequency attached by ClinVar (database versions not stated): gnomAD 0.00001; TOPMed 0.00001; gnomAD exomes 0.00002; ExAC 0.00003; 1000 Genomes Project 0.00020; 1000 Genomes Project 30x 0.00031.
gnomAD v4.1: 41 of 1,613,950 alleles (0.0025%); highest among the groups gnomAD compares: South Asian, 0.013%; no homozygotes.

Submission:

Labcorp Genetics (formerly Invitae), Labcorp
Classification: Uncertain significance. Last evaluated: 2023-12-09. Review status: criteria provided, single submitter. Criteria: Invitae Variant Classification Sherloc (09022015). Collection method: clinical testing. Allele origin: germline.
Comment: This sequence change replaces alanine, which is neutral and non-polar, with serine, which is neutral and polar, at codon 182 of the FAT4 protein (p.Ala182Ser). This variant is present in population databases (rs558736544, gnomAD 0.03%). This variant has not been reported in the literature in individuals affected with FAT4-related conditions. Advanced modeling of protein sequence and biophysical properties (such as structural, functional, and spatial information, amino acid conservation, physicochemical variation, residue mobility, and thermodynamic stability) performed at Invitae indicates that this missense variant is not expected to disrupt FAT4 protein function with a negative predictive value of 80%. In summary, the available evidence is currently insufficient to determine the role of this variant in disease. Therefore, it has been classified as a Variant of Uncertain Significance.

NM_001291303.3(FAT4):c.544G>T (p.Ala182Ser)

Gene: FAT4 (FAT atypical cadherin 4; plus strand). Cytogenetic location: 4q28.1.
Variant type: single nucleotide variant.
Coding change: c.544G>T on transcript NM_001291303.3 (MANE Select); coding-DNA position 544, G replaced by T.
Protein change: p.Ala182Ser; replaces alanine 182 with serine.
Molecular consequence: missense variant.
Genome position (GRCh38, 1-based): chr4:125,316,955, G>T. VCF-style: chr4-125316955-G-T. GRCh37 (hg19) VCF-style: chr4-126238110-G-T.
Other names: c.544G>T, p.Ala182Ser (NM_001291285.3, NM_024582.6); short protein forms A182S.
Identifiers: ClinVar variation 2893069 (VCV002893069.1), dbSNP rs558736544, ClinGen allele CA3071829.